The following is an entry in ClinVar:

ClinVar aggregate classification (germline): Conflicting classifications of pathogenicity. Review status: criteria provided, conflicting classifications (1 of 4 stars). 6 submissions from 6 submitters: Uncertain significance (4); Likely benign (2). Last evaluated 2025-12-29.

Conditions:
DiGeorge syndrome. Also called: THIRD AND FOURTH PHARYNGEAL POUCH SYNDROME; Catch22. Identifiers: Orphanet 567, MedGen C0012236, MONDO:0008564, OMIM 188400.
Cardiovascular phenotype. Identifiers: MedGen CN230736.

Allele frequency attached by ClinVar (database versions not stated): gnomAD exomes 0.00005; gnomAD 0.00007 and 0.00009; ExAC 0.00008; TOPMed 0.00009.
gnomAD v4.1: 134 of 1,527,888 alleles (0.0088%); highest among the groups gnomAD compares: Middle Eastern, 0.039%; 1 homozygote.

Submissions (6):

Labcorp Genetics (formerly Invitae), Labcorp
Classification: Uncertain significance for DiGeorge syndrome. Last evaluated: 2025-12-29. Review status: criteria provided, single submitter. Criteria: Invitae Variant Classification Sherloc (09022015). Collection method: clinical testing. Allele origin: germline.
Comment: This sequence change replaces valine, which is neutral and non-polar, with leucine, which is neutral and non-polar, at codon 459 of the TBX1 protein (p.Val459Leu). This variant is present in population databases (rs764197422, gnomAD 0.01%). This variant has not been reported in the literature in individuals affected with TBX1-related conditions. ClinVar contains an entry for this variant (Variation ID: 847417). An algorithm developed to predict the effect of missense changes on protein structure and function (PolyPhen-2) suggests that this variant is likely to be tolerated. In summary, the available evidence is currently insufficient to determine the role of this variant in disease. Therefore, it has been classified as a Variant of Uncertain Significance.

CeGaT Center for Human Genetics Tuebingen
Classification: Uncertain significance. Last evaluated: 2025-07-01. Review status: criteria provided, single submitter. Criteria: CeGaT Center For Human Genetics Tuebingen Variant Classification Criteria Version 2. Collection method: clinical testing. Allele origin: germline. Affected: yes. Observed: 2 variant alleles.

Blueprint Genetics
Classification: Likely benign. Last evaluated: 2024-11-20. Review status: criteria provided, single submitter. Criteria: ACMG Guidelines, 2015. Collection method: clinical testing. Allele origin: germline.

Ambry Genetics
Classification: Uncertain significance for Cardiovascular phenotype. Last evaluated: 2024-11-10. Review status: criteria provided, single submitter. Criteria: Ambry Variant Classification Scheme 2023. Collection method: clinical testing. Allele origin: germline.

GeneDx
Classification: Likely benign. Last evaluated: 2022-02-14. Review status: criteria provided, single submitter. Criteria: GeneDx Variant Classification Process June 2021. Collection method: clinical testing. Allele origin: germline. Affected: yes.
Comment: In silico analysis supports that this missense variant does not alter protein structure/function; Has not been previously published as pathogenic or benign to our knowledge

Revvity Omics, Revvity
Classification: Uncertain significance. Last evaluated: 2019-11-11. Review status: criteria provided, single submitter. Criteria: ACMG Guidelines, 2015. Collection method: clinical testing. Allele origin: germline.

NM_001379200.1(TBX1):c.1402G>C (p.Val468Leu)

Gene: TBX1 (T-box transcription factor 1; plus strand). Cytogenetic location: 22q11.21.
Variant type: single nucleotide variant.
Coding change: c.1402G>C on transcript NM_001379200.1 (MANE Select); coding-DNA position 1402, G replaced by C.
Protein change: p.Val468Leu; replaces valine 468 with leucine.
Molecular consequence: missense variant. On other transcripts: intron variant (2).
Genome position (GRCh38, 1-based): chr22:19,766,754, G>C. VCF-style: chr22-19766754-G-C. GRCh37 (hg19) VCF-style: chr22-19754277-G-C.
Other names: c.1375G>C, p.Val459Leu (NM_080647.1); c.1009+752G>C (NM_005992.1, NM_080646.2); short protein forms V459L, V468L.
Identifiers: ClinVar variation 847417 (VCV000847417.40), dbSNP rs764197422, ClinGen allele CA10102741.
Genomic context (GRCh38, chr22:19,766,754, plus strand): 5'-CCCGGCCTGCGTGGCCACGGCTACCACCCGCACGCGCATCCGCACCACCACCACCACCCC[G>C]TGAGTCCAGCCGCCGCGGCCGCCGCCGCCGCTGCCGCAGCTGCCGCGGCCGCCAACATGT-3'
Protein context (NP_001366129.1, residues 458-478): HAHPHHHHHP[Val468Leu]SPAAAAAAAA